The following is an entry in ClinVar:

NM_181552.4(CUX1):c.2572G>A (p.Gly858Arg)

Gene: CUX1 (cut like homeobox 1; plus strand). Cytogenetic location: 7q22.1.
Variant type: single nucleotide variant.
Coding change: c.2572G>A on transcript NM_181552.4 (MANE Select); coding-DNA position 2572, G replaced by A.
Protein change: p.Gly858Arg; replaces glycine 858 with arginine.
Molecular consequence: missense variant. On other transcripts: intron variant (5).
Genome position (GRCh38, 1-based): chr7:102,201,869, G>A. VCF-style: chr7-102201869-G-A. GRCh37 (hg19) VCF-style: chr7-101845149-G-A.
Other names: c.2605G>A, p.Gly869Arg (NM_001202543.2); c.1255+6266G>A (NM_001913.5); c.1249+6266G>A (NM_181500.4); c.1117+6266G>A (NM_001202545.3); c.1207+6266G>A (NM_001202544.3); c.1138+6266G>A (NM_001202546.3); short protein forms G858R, G869R.
Identifiers: ClinVar variation 2235967 (VCV002235967.5), dbSNP rs1340914824, ClinGen allele CA368682773.

ClinVar aggregate classification (germline): Conflicting classifications of pathogenicity. Review status: criteria provided, conflicting classifications (1 of 4 stars). 3 submissions from 3 submitters: Uncertain significance (2); Likely benign (1). Last evaluated 2025-12-26.

Conditions:
Inborn genetic diseases. Identifiers: MedGen C0950123, MeSH D030342.

Allele frequency attached by ClinVar (database versions not stated): gnomAD 0.00001; TOPMed 0.00001; gnomAD exomes 0.00001.
gnomAD v4.1: 10 of 1,613,346 alleles (0.00062%); highest among the groups gnomAD compares: South Asian, 0.0022%; no homozygotes.

Submissions (3):

Dasa
Classification: Uncertain significance. Last evaluated: 2025-12-26. Review status: criteria provided, single submitter. Criteria: DASA Assertion Criteria. Collection method: clinical testing. Allele origin: germline.
Comment: NM_181552.4(CUX1):c.2572G>A (p.Gly858Arg) is a missense variant that results in the substitution of glycine with arginine. This variant is rare in population databases. Computational prediction algorithms are consistent with a benign effect. The currently available literature and clinical evidence are not sufficient to establish a definitive association between this variant and the reported condition. Therefore, this variant is classified as a variant of uncertain significance.

Laboratory of Genetics, Children's Clinical University Hospital Latvia
Classification: Likely benign. Last evaluated: 2025-02-16. Review status: criteria provided, single submitter. Criteria: ACMG Guidelines, 2015. Collection method: clinical testing. Allele origin: germline. Affected: yes.

Ambry Genetics
Classification: Uncertain significance for Inborn genetic diseases. Last evaluated: 2021-07-09. Review status: criteria provided, single submitter. Criteria: Ambry Variant Classification Scheme 2023. Collection method: clinical testing. Allele origin: germline.